The following is an entry in ClinVar:

ClinVar aggregate classification (germline): Uncertain significance (1 of 4 stars; one submission).

Conditions:
Autosomal dominant limb-girdle muscular dystrophy type 1D (DNAJB6) (LGMDD1). Also called: MUSCULAR DYSTROPHY, LIMB-GIRDLE, TYPE 1D; MUSCULAR DYSTROPHY, AUTOSOMAL DOMINANT, WITH RIMMED VACUOLES; Autosomal dominant limb-girdle muscular dystrophy type 1D; Muscular dystrophy, limb-girdle, autosomal dominant 1. Identifiers: Orphanet 34516, MedGen C4721885, MONDO:0021018, OMIM 603511.

gnomAD v4.1: 37 of 1,613,608 alleles (0.0023%); highest among the groups gnomAD compares: Non-Finnish European, 0.003%; no homozygotes.

Submission:

Labcorp Genetics (formerly Invitae), Labcorp
Classification: Uncertain significance for Autosomal dominant limb-girdle muscular dystrophy type 1D (DNAJB6). Last evaluated: 2025-09-27. Review status: criteria provided, single submitter. Criteria: Invitae Variant Classification Sherloc (09022015). Collection method: clinical testing. Allele origin: germline.
Comment: This sequence change replaces serine, which is neutral and polar, with proline, which is neutral and non-polar, at codon 174 of the DNAJB6 protein (p.Ser174Pro). This variant is present in population databases (rs750100897, gnomAD 0.004%). This variant has not been reported in the literature in individuals affected with DNAJB6-related conditions. Invitae Evidence Modeling of protein sequence and biophysical properties (such as structural, functional, and spatial information, amino acid conservation, physicochemical variation, residue mobility, and thermodynamic stability) has been performed for this missense variant. However, the output from this modeling did not meet the statistical confidence thresholds required to predict the impact of this variant on DNAJB6 protein function. In summary, the available evidence is currently insufficient to determine the role of this variant in disease. Therefore, it has been classified as a Variant of Uncertain Significance.

NM_058246.4(DNAJB6):c.520T>C (p.Ser174Pro)

Gene: DNAJB6 (DnaJ heat shock protein family (Hsp40) member B6; plus strand). Cytogenetic location: 7q36.3.
Variant type: single nucleotide variant.
Coding change: c.520T>C on transcript NM_058246.4 (MANE Select); coding-DNA position 520, T replaced by C.
Protein change: p.Ser174Pro; replaces serine 174 with proline.
Molecular consequence: missense variant. On other transcripts: intron variant (1).
Genome position (GRCh38, 1-based): chr7:157,384,908, T>C. VCF-style: chr7-157384908-T-C. GRCh37 (hg19) VCF-style: chr7-157177602-T-C.
Other names: c.520T>C, p.Ser174Pro (NM_005494.3); c.346+17425T>C (NM_001363676.1); short protein forms S174P.
Identifiers: ClinVar variation 4799390 (VCV004799390.1).